The following is an entry in ClinVar:

NM_000256.3(MYBPC3):c.1816G>A (p.Val606Ile)

Gene: MYBPC3 (myosin binding protein C3; minus strand). Cytogenetic location: 11p11.2.
Variant type: single nucleotide variant.
Coding change: c.1816G>A on transcript NM_000256.3 (MANE Select); coding-DNA position 1816, G replaced by A.
Protein change: p.Val606Ile; replaces valine 606 with isoleucine.
Molecular consequence: missense variant.
Genome position (GRCh38, 1-based): chr11:47,341,219, C>T on the plus strand (G>A on the coding strand, the complement: MYBPC3 is on the minus strand). VCF-style: chr11-47341219-C-T. GRCh37 (hg19) VCF-style: chr11-47362770-C-T.
Other names: p.V606I:GTC>ATC; c.1816G>A, p.Val606Ile (LRG_386t1); short protein forms V606I.
Identifiers: ClinVar variation 180951 (VCV000180951.33), dbSNP rs368482358, ClinGen allele CA011251.

ClinVar aggregate classification (germline): Uncertain significance. Review status: criteria provided, multiple submitters, no conflicts (2 of 4 stars). 6 submissions from 6 submitters: Uncertain significance (6). Last evaluated 2026-02-01.

Conditions:
Cardiovascular phenotype. Identifiers: MedGen CN230736.
Cardiomyopathy (CMYO). Also called: Cardiomyopathies. Identifiers: Orphanet 167848, MedGen C0878544, MONDO:0004994, HP:0001638. Inheritance: Various modes of inheritance.
Hypertrophic cardiomyopathy. Also called: HYPERTROPHIC MYOCARDIOPATHY. Identifiers: Orphanet 217569, MedGen C0007194, MeSH D002312, MONDO:0005045, HP:0001639.

Allele frequency attached by ClinVar (database versions not stated): ESP Exome Variant Server 0.00008; gnomAD exomes 0.00001 and 0.00002; gnomAD 0.00003; TOPMed 0.00005; ExAC 0.00006.

Submissions (6):

Labcorp Genetics (formerly Invitae), Labcorp
Classification: Uncertain significance for Hypertrophic cardiomyopathy. Last evaluated: 2026-02-01. Review status: criteria provided, single submitter. Criteria: Invitae Variant Classification Sherloc (09022015). Collection method: clinical testing. Allele origin: germline.
Comment: This sequence change replaces valine, which is neutral and non-polar, with isoleucine, which is neutral and non-polar, at codon 606 of the MYBPC3 protein (p.Val606Ile). This variant is present in population databases (rs368482358, gnomAD 0.004%). This missense change has been observed in individual(s) with clinical features of MYBPC3-related conditions (PMID: 21520333). ClinVar contains an entry for this variant (Variation ID: 180951). An algorithm developed to predict the effect of missense changes on protein structure and function (PolyPhen-2) suggests that this variant is likely to be disruptive. In summary, the available evidence is currently insufficient to determine the role of this variant in disease. Therefore, it has been classified as a Variant of Uncertain Significance.

All of Us Research Program, National Institutes of Health
Classification: Uncertain significance for Hypertrophic cardiomyopathy. Last evaluated: 2024-06-09. Review status: criteria provided, single submitter. Criteria: ACMG Guidelines, 2015. Collection method: clinical testing. Allele origin: germline. Inheritance: Autosomal dominant inheritance. Observed: 4 variant alleles, 4 heterozygotes.
Comment: This missense variant replaces valine with isoleucine at codon 606 of the MYBPC3 protein. Computational prediction suggests that this variant may not impact protein structure and function (internally defined REVEL score threshold <= 0.5, PMID: 27666373). To our knowledge, functional studies have not been reported for this variant. This variant has not been reported in individuals affected with MYBPC3-related disorders in the literature. This variant has been identified in 4/216050 chromosomes in the general population by the Genome Aggregation Database (gnomAD). The available evidence is insufficient to determine the role of this variant in disease conclusively. Therefore, this variant is classified as a Variant of Uncertain Significance.

This study involves interpretation of variants in research participants for the purpose of population health screening. Participant phenotype was not available at the time of variant classification. Additional details can be found in publication PMID: 35346344, PMCID: PMC8962531

Color Diagnostics, LLC DBA Color Health
Classification: Uncertain significance for Cardiomyopathy. Last evaluated: 2024-05-20. Review status: criteria provided, single submitter. Criteria: ACMG Guidelines, 2015. Collection method: clinical testing. Allele origin: germline.
Comment: This missense variant replaces valine with isoleucine at codon 606 of the MYBPC3 protein. Computational prediction tools indicate that this variant has a neutral impact on protein structure and function. To our knowledge, functional studies have not been reported for this variant. This variant has not been reported in individuals affected with MYBPC3-related disorders in the literature. This variant has been identified in 4/216050 chromosomes in the general population by the Genome Aggregation Database (gnomAD). The available evidence is insufficient to determine the role of this variant in disease conclusively. Therefore, this variant is classified as a Variant of Uncertain Significance.

Ambry Genetics
Classification: Uncertain significance for Cardiovascular phenotype. Last evaluated: 2021-06-17. Review status: criteria provided, single submitter. Criteria: Ambry Variant Classification Scheme 2023. Collection method: clinical testing. Allele origin: germline.
Comment: The p.V606I variant (also known as c.1816G>A), located in coding exon 19 of the MYBPC3 gene, results from a G to A substitution at nucleotide position 1816. The valine at codon 606 is replaced by isoleucine, an amino acid with highly similar properties. This alteration has been reported in association with hypertrophic cardiomyopathy (HCM) (Helms AS et al. Circulation, 2016 Nov;134:1738-1748; Ross SB et al. Circ Cardiovasc Genet, 2017 Jun;10:). This amino acid position is highly conserved in available vertebrate species. In addition, the in silico prediction for this alteration is inconclusive. Since supporting evidence is limited at this time, the clinical significance of this alteration remains unclear.

CHEO Genetics Diagnostic Laboratory, Children's Hospital of Eastern Ontario
Classification: Uncertain significance for Cardiomyopathy. Last evaluated: 2016-10-19. Review status: criteria provided, single submitter. Criteria: ACMG Guidelines, 2015. Collection method: clinical testing. Allele origin: germline. Study: Canadian Open Genetics Repository.

GeneDx
Classification: Uncertain significance. Last evaluated: 2014-01-17. Review status: criteria provided, single submitter. Criteria: GeneDx Variant Classification (06012015). Collection method: clinical testing. Allele origin: germline. Affected: yes.
Comment: p.Val606Ile (GTC>ATC): c.1816 G>A in exon 19 of the MYBPC3 gene (NM_000256.3) The Val606Ile variant in the MYBPC3 gene has not been reported as a disease-causing mutation or as a benign polymorphism to our knowledge. The Val606Ile variant is a conservative amino acid substitution as these residues share similar properties, and are least likely to impact secondary structure. The Val606 residue is mostly conserved across species. In silico analysis predicts Val606Ile is probably damaging to the protein structure/function. Mutations in nearby residues (Asp604Val, Pro608Ser, Pro608Leu, Asp610His, Asp610Asn) have been reported in association with cardiomyopathy, supporting the functional importance of this region of the protein. The Val606Ile variant was not observed with any significant frequency in approximately 6,000 individuals of European and African American ancestry in the NHLBI Exome Sequencing Project.With the clinical and molecular information available at this time, we cannot definitively determine if Val606Ile is a disease-causing mutation or a rare benign variant. The variant is found in CARDIOMYOPATHY panel(s).

Literature cited by the submitters: PubMed 21520333 (cited by Labcorp Genetics (formerly Invitae), Labcorp); PubMed 27688314 (cited by Ambry Genetics); PubMed 28615295 (cited by Ambry Genetics).